The following is an entry in ClinVar:

ClinVar aggregate classification (germline): Uncertain significance (1 of 4 stars; one submission).

Conditions:
Congenital sideroblastic anemia-B-cell immunodeficiency-periodic fever-developmental delay syndrome. Also called: Sideroblastic anemia with B-cell immunodeficiency, periodic fevers, and developmental delay. Identifiers: Orphanet 369861, MedGen C4015172, MONDO:0014487, OMIM 616084.

Allele frequency attached by ClinVar (database versions not stated): gnomAD 0.00002 and 0.00003; TOPMed 0.00002; ExAC 0.00009.
gnomAD v4.1: 114 of 1,613,786 alleles (0.0071%); highest among the groups gnomAD compares: South Asian, 0.076%; 2 homozygotes.

Submission:

Labcorp Genetics (formerly Invitae), Labcorp
Classification: Uncertain significance for Congenital sideroblastic anemia-B-cell immunodeficiency-periodic fever-developmental delay syndrome. Last evaluated: 2022-08-22. Review status: criteria provided, single submitter. Criteria: Invitae Variant Classification Sherloc (09022015). Collection method: clinical testing. Allele origin: germline.
Comment: This sequence change replaces arginine, which is basic and polar, with cysteine, which is neutral and slightly polar, at codon 15 of the TRNT1 protein (p.Arg15Cys). This variant is present in population databases (rs766234875, gnomAD 0.05%). This variant has not been reported in the literature in individuals affected with TRNT1-related conditions. ClinVar contains an entry for this variant (Variation ID: 1045778). Algorithms developed to predict the effect of missense changes on protein structure and function output the following: SIFT: "Tolerated"; PolyPhen-2: "Benign"; Align-GVGD: "Class C0". The cysteine amino acid residue is found in multiple mammalian species, which suggests that this missense change does not adversely affect protein function. In summary, the available evidence is currently insufficient to determine the role of this variant in disease. Therefore, it has been classified as a Variant of Uncertain Significance.

NM_182916.3(TRNT1):c.43C>T (p.Arg15Cys)

Gene: TRNT1 (tRNA nucleotidyl transferase 1; plus strand). Cytogenetic location: 3p26.2.
Variant type: single nucleotide variant.
Coding change: c.43C>T on transcript NM_182916.3 (MANE Select); coding-DNA position 43, C replaced by T.
Protein change: p.Arg15Cys; replaces arginine 15 with cysteine.
Molecular consequence: missense variant. On other transcripts: non-coding transcript variant (11).
Genome position (GRCh38, 1-based): chr3:3,129,083, C>T. VCF-style: chr3-3129083-C-T. GRCh37 (hg19) VCF-style: chr3-3170767-C-T.
Other names: c.43C>T, p.Arg15Cys (NM_001302946.2, NM_001367321.1, NM_001367322.1 and 1 more transcripts); short protein forms R15C.
Identifiers: ClinVar variation 1045778 (VCV001045778.2), dbSNP rs766234875, ClinGen allele CA2228497.